The following is an entry in ClinVar:

NM_014244.5(ADAMTS2):c.2666T>C (p.Met889Thr)

Gene: ADAMTS2 (ADAM metallopeptidase with thrombospondin type 1 motif 2; minus strand). Cytogenetic location: 5q35.3.
Variant type: single nucleotide variant.
Coding change: c.2666T>C on transcript NM_014244.5 (MANE Select); coding-DNA position 2666, T replaced by C.
Protein change: p.Met889Thr; replaces methionine 889 with threonine.
Molecular consequence: missense variant.
Genome position (GRCh38, 1-based): chr5:179,126,082, A>G on the plus strand (T>C on the coding strand, the complement: ADAMTS2 is on the minus strand). VCF-style: chr5-179126082-A-G. GRCh37 (hg19) VCF-style: chr5-178553083-A-G.
Other names: short protein forms M889T.
Identifiers: ClinVar variation 1998221 (VCV001998221.4), dbSNP rs1762851927, ClinGen allele CA362422055.

ClinVar aggregate classification (germline): Uncertain significance (1 of 4 stars; one submission).

Conditions:
Ehlers-Danlos syndrome, dermatosparaxis type. Also called: Ehlers-Danlos syndrome, type VII, autosomal recessive; Dermatosparaxis; EDS VIIC. Identifiers: Orphanet 1901, MedGen C2700425, MONDO:0009161, OMIM 225410.

Allele frequency attached by ClinVar (database versions not stated): TOPMed below 0.00001.

Submission:

Labcorp Genetics (formerly Invitae), Labcorp
Classification: Uncertain significance for Ehlers-Danlos syndrome, dermatosparaxis type. Last evaluated: 2022-06-02. Review status: criteria provided, single submitter. Criteria: Invitae Variant Classification Sherloc (09022015). Collection method: clinical testing. Allele origin: germline.
Comment: In summary, the available evidence is currently insufficient to determine the role of this variant in disease. Therefore, it has been classified as a Variant of Uncertain Significance. Algorithms developed to predict the effect of missense changes on protein structure and function (SIFT, PolyPhen-2, Align-GVGD) all suggest that this variant is likely to be disruptive. This variant has not been reported in the literature in individuals affected with ADAMTS2-related conditions. This variant is not present in population databases (gnomAD no frequency). This sequence change replaces methionine, which is neutral and non-polar, with threonine, which is neutral and polar, at codon 889 of the ADAMTS2 protein (p.Met889Thr).